The following is an entry in ClinVar:

ClinVar aggregate classification (germline): Uncertain significance (1 of 4 stars; one submission).

Submission:

Ambry Genetics
Classification: Uncertain significance. Last evaluated: 2025-12-27. Review status: criteria provided, single submitter. Criteria: Ambry Variant Classification Scheme 2023. Collection method: clinical testing. Allele origin: germline.
Comment: The p.I471F variant (also known as c.1411A>T), located in coding exon 13 of the GEN1 gene, results from an A to T substitution at nucleotide position 1411. The isoleucine at codon 471 is replaced by phenylalanine, an amino acid with highly similar properties. This amino acid position is conserved. In addition, this alteration is predicted to be tolerated by in silico analysis. Based on the available evidence, the clinical significance of this variant remains unclear.

NM_001130009.3(GEN1):c.1411A>T (p.Ile471Phe)

Gene: GEN1 (GEN1 structure-specific endonuclease; plus strand). Cytogenetic location: 2p24.2.
Variant type: single nucleotide variant.
Coding change: c.1411A>T on transcript NM_001130009.3 (MANE Select); coding-DNA position 1411, A replaced by T.
Protein change: p.Ile471Phe; replaces isoleucine 471 with phenylalanine.
Molecular consequence: missense variant.
Genome position (GRCh38, 1-based): chr2:17,780,623, A>T. VCF-style: chr2-17780623-A-T. GRCh37 (hg19) VCF-style: chr2-17961890-A-T.
Other names: c.1411A>T, p.Ile471Phe (NM_182625.5); short protein forms I471F.
Identifiers: ClinVar variation 4842201 (VCV004842201.1).